The following is an entry in ClinVar:

NM_002444.3(MSN):c.942C>A (p.His314Gln)

Gene: MSN (moesin; plus strand). Cytogenetic location: Xq12.
Variant type: single nucleotide variant.
Coding change: c.942C>A on transcript NM_002444.3 (MANE Select); coding-DNA position 942, C replaced by A.
Protein change: p.His314Gln; replaces histidine 314 with glutamine.
Molecular consequence: missense variant.
Genome position (GRCh38, 1-based): chrX:65,735,413, C>A. VCF-style: chrX-65735413-C-A. GRCh37 (hg19) VCF-style: chrX-64955275-C-A.
Other names: short protein forms H314Q.
Identifiers: ClinVar variation 1959012 (VCV001959012.5), dbSNP rs2523013102, ClinGen allele CA413412857.

ClinVar aggregate classification (germline): Uncertain significance (1 of 4 stars; one submission).

Submission:

Labcorp Genetics (formerly Invitae), Labcorp
Classification: Uncertain significance. Last evaluated: 2021-12-02. Review status: criteria provided, single submitter. Criteria: Invitae Variant Classification Sherloc (09022015). Collection method: clinical testing. Allele origin: germline.
Comment: In summary, the available evidence is currently insufficient to determine the role of this variant in disease. Therefore, it has been classified as a Variant of Uncertain Significance. Algorithms developed to predict the effect of missense changes on protein structure and function (SIFT, PolyPhen-2, Align-GVGD) all suggest that this variant is likely to be tolerated. This variant has not been reported in the literature in individuals affected with MSN-related conditions. This variant is not present in population databases (gnomAD no frequency). This sequence change replaces histidine, which is basic and polar, with glutamine, which is neutral and polar, at codon 314 of the MSN protein (p.His314Gln).